The following is an entry in ClinVar:

ClinVar aggregate classification (germline): Uncertain significance. Review status: criteria provided, multiple submitters, no conflicts (2 of 4 stars). 2 submissions from 2 submitters: Uncertain significance (2). Last evaluated 2025-12-15.

Conditions:
Inborn genetic diseases. Identifiers: MedGen C0950123, MeSH D030342.
Familial encephalopathy with neuroserpin inclusion bodies. Also called: ENCEPHALOPATHY, FAMILIAL, WITH COLLINS BODIES. Identifiers: Orphanet 85110, MedGen C1858680, MONDO:0011412, OMIM 604218.

Allele frequency attached by ClinVar (database versions not stated): ExAC 0.00007; ESP Exome Variant Server 0.00008; gnomAD exomes 0.00008 and 0.00031; TOPMed 0.00009; gnomAD 0.00011.
gnomAD v4.1: 458 of 1,613,800 alleles (0.028%); highest among the groups gnomAD compares: Non-Finnish European, 0.037%; 1 homozygote.

Submissions (2):

Labcorp Genetics (formerly Invitae), Labcorp
Classification: Uncertain significance for Familial encephalopathy with neuroserpin inclusion bodies. Last evaluated: 2025-12-15. Review status: criteria provided, single submitter. Criteria: Invitae Variant Classification Sherloc (09022015). Collection method: clinical testing. Allele origin: germline.
Comment: This sequence change replaces methionine, which is neutral and non-polar, with valine, which is neutral and non-polar, at codon 96 of the SERPINI1 protein (p.Met96Val). This variant is present in population databases (rs372528371, gnomAD 0.02%). This variant has not been reported in the literature in individuals affected with SERPINI1-related conditions. ClinVar contains an entry for this variant (Variation ID: 534954). Invitae Evidence Modeling of protein sequence and biophysical properties (such as structural, functional, and spatial information, amino acid conservation, physicochemical variation, residue mobility, and thermodynamic stability) indicates that this missense variant is not expected to disrupt SERPINI1 protein function with a negative predictive value of 80%. In summary, the available evidence is currently insufficient to determine the role of this variant in disease. Therefore, it has been classified as a Variant of Uncertain Significance.

Ambry Genetics
Classification: Uncertain significance for Inborn genetic diseases. Last evaluated: 2021-04-28. Review status: criteria provided, single submitter. Criteria: Ambry Variant Classification Scheme 2023. Collection method: clinical testing. Allele origin: germline.

NM_001122752.2(SERPINI1):c.286A>G (p.Met96Val)

Gene: SERPINI1 (serpin family I member 1; plus strand). Cytogenetic location: 3q26.1.
Variant type: single nucleotide variant.
Coding change: c.286A>G on transcript NM_001122752.2 (MANE Select); coding-DNA position 286, A replaced by G.
Protein change: p.Met96Val; replaces methionine 96 with valine.
Molecular consequence: missense variant.
Genome position (GRCh38, 1-based): chr3:167,790,407, A>G. VCF-style: chr3-167790407-A-G. GRCh37 (hg19) VCF-style: chr3-167508195-A-G.
Other names: c.286A>G, p.Met96Val (NM_005025.5); short protein forms M96V.
Identifiers: ClinVar variation 534954 (VCV000534954.12), dbSNP rs372528371, ClinGen allele CA2694772.
Genomic context (GRCh38, chr3:167,790,407, plus strand): 5'-AAACTTATCCTTTCTCATCTTTCAGGTGAAGAATTTTCTTTCTTGAAGGAGTTTTCAAAC[A>G]TGGTAACTGCTAAAGAGAGCCAATATGTGATGAAAATTGCCAATTCCTTGTTTGTGCAAA-3'
Protein context (NP_001116224.1, residues 86-106): EFSFLKEFSN[Met96Val]VTAKESQYVM